The following is an entry in ClinVar:

ClinVar aggregate classification (germline): Uncertain significance. Review status: criteria provided, multiple submitters, no conflicts (2 of 4 stars). 2 submissions from 2 submitters: Uncertain significance (2). Last evaluated 2024-10-28.

Conditions:
Inborn genetic diseases. Identifiers: MedGen C0950123, MeSH D030342.

Submissions (2):

Labcorp Genetics (formerly Invitae), Labcorp
Classification: Uncertain significance. Last evaluated: 2024-10-28. Review status: criteria provided, single submitter. Criteria: Invitae Variant Classification Sherloc (09022015). Collection method: clinical testing. Allele origin: germline.
Comment: This sequence change replaces asparagine, which is neutral and polar, with serine, which is neutral and polar, at codon 192 of the UBA5 protein (p.Asn192Ser). This variant is not present in population databases (gnomAD no frequency). This variant has not been reported in the literature in individuals affected with UBA5-related conditions. ClinVar contains an entry for this variant (Variation ID: 1462872). Invitae Evidence Modeling of protein sequence and biophysical properties (such as structural, functional, and spatial information, amino acid conservation, physicochemical variation, residue mobility, and thermodynamic stability) indicates that this missense variant is not expected to disrupt UBA5 protein function with a negative predictive value of 80%. In summary, the available evidence is currently insufficient to determine the role of this variant in disease. Therefore, it has been classified as a Variant of Uncertain Significance.

Ambry Genetics
Classification: Uncertain significance for Inborn genetic diseases. Last evaluated: 2023-12-30. Review status: criteria provided, single submitter. Criteria: Ambry Variant Classification Scheme 2023. Collection method: clinical testing. Allele origin: germline.

NM_024818.6(UBA5):c.575A>G (p.Asn192Ser)

Genes: NPHP3-ACAD11 (NPHP3-ACAD11 readthrough (NMD candidate); minus strand), UBA5 (ubiquitin like modifier activating enzyme 5; plus strand). Cytogenetic location: 3q22.1.
Variant type: single nucleotide variant.
Coding change: c.575A>G on transcript NM_024818.6 (MANE Select); coding-DNA position 575, A replaced by G.
Protein change: p.Asn192Ser; replaces asparagine 192 with serine.
Molecular consequence: missense variant.
Genome position (GRCh38, 1-based): chr3:132,671,045, A>G. VCF-style: chr3-132671045-A-G. GRCh37 (hg19) VCF-style: chr3-132389889-A-G.
Other names: c.407A>G, p.Asn136Ser (NM_001320210.2, NM_198329.4); c.305A>G, p.Asn102Ser (NM_001321238.2); c.239A>G, p.Asn80Ser (NM_001321239.1); c.575A>G (NM_024818.3); short protein forms N192S, N80S, N102S, N136S.
Identifiers: ClinVar variation 1462872 (VCV001462872.8), dbSNP rs1938579287, ClinGen allele CA354573885.